The following is an entry in ClinVar:

NM_001042492.3(NF1):c.5825A>G (p.Lys1942Arg)

Gene: NF1 (neurofibromin 1; plus strand). Cytogenetic location: 17q11.2.
Variant type: single nucleotide variant.
Coding change: c.5825A>G on transcript NM_001042492.3 (MANE Select); coding-DNA position 5825, A replaced by G.
Protein change: p.Lys1942Arg; replaces lysine 1942 with arginine.
Molecular consequence: missense variant.
Genome position (GRCh38, 1-based): chr17:31,334,850, A>G. VCF-style: chr17-31334850-A-G. GRCh37 (hg19) VCF-style: chr17-29661868-A-G.
Other names: c.5762A>G, p.Lys1921Arg (NM_000267.4); short protein forms K1921R, K1942R.
Identifiers: ClinVar variation 962825 (VCV000962825.6), dbSNP rs2069601534, ClinGen allele CA399010576.

ClinVar aggregate classification (germline): Uncertain significance (1 of 4 stars; one submission).

Conditions:
Neurofibromatosis, type 1 (NF1). Also called: Peripheral type neurofibromatosis; VON RECKLINGHAUSEN DISEASE; NEUROFIBROMATOSIS, TYPE I, SOMATIC; Neurofibromatosis, type I. Identifiers: Orphanet 636, MedGen C0027831, MONDO:0018975, OMIM 162200. Disease mechanism: loss of function.

Submission:

Labcorp Genetics (formerly Invitae), Labcorp
Classification: Uncertain significance for Neurofibromatosis, type 1. Last evaluated: 2019-11-03. Review status: criteria provided, single submitter. Criteria: Invitae Variant Classification Sherloc (09022015). Collection method: clinical testing. Allele origin: germline.
Comment: This sequence change replaces lysine with arginine at codon 1921 of the NF1 protein (p.Lys1921Arg). The lysine residue is moderately conserved and there is a small physicochemical difference between lysine and arginine. This variant is not present in population databases (ExAC no frequency). This variant has not been reported in the literature in individuals with NF1-related conditions. Algorithms developed to predict the effect of missense changes on protein structure and function are either unavailable or do not agree on the potential impact of this missense change (SIFT: "Tolerated"; PolyPhen-2: "Probably Damaging"; Align-GVGD: "Class C0"). In summary, the available evidence is currently insufficient to determine the role of this variant in disease. Therefore, it has been classified as a Variant of Uncertain Significance.